The following is an entry in ClinVar:

ClinVar aggregate classification (germline): Uncertain significance (1 of 4 stars; one submission).

gnomAD v4.1: 15 of 1,612,366 alleles (0.00093%); highest among the groups gnomAD compares: Non-Finnish European, 0.0012%; no homozygotes.

Submission:

Labcorp Genetics (formerly Invitae), Labcorp
Classification: Uncertain significance. Last evaluated: 2025-11-05. Review status: criteria provided, single submitter. Criteria: Invitae Variant Classification Sherloc (09022015). Collection method: clinical testing. Allele origin: germline.
Comment: This sequence change replaces glutamic acid, which is acidic and polar, with glutamine, which is neutral and polar, at codon 303 of the CFI protein (p.Glu303Gln). This variant is present in population databases (rs570075976, gnomAD 0.0009%). This variant has not been reported in the literature in individuals affected with CFI-related conditions. An algorithm developed to predict the effect of missense changes on protein structure and function outputs the following: PolyPhen-2: "Benign". The glutamine amino acid residue is found in multiple mammalian species, which suggests that this missense change does not adversely affect protein function. In summary, the available evidence is currently insufficient to determine the role of this variant in disease. Therefore, it has been classified as a Variant of Uncertain Significance.

NM_000204.5(CFI):c.907G>C (p.Glu303Gln)

Gene: CFI (complement factor I; minus strand). Cytogenetic location: 4q25.
Variant type: single nucleotide variant.
Coding change: c.907G>C on transcript NM_000204.5 (MANE Select); coding-DNA position 907, G replaced by C.
Protein change: p.Glu303Gln; replaces glutamic acid 303 with glutamine.
Molecular consequence: missense variant. On other transcripts: non-coding transcript variant (3), intron variant (1).
Genome position (GRCh38, 1-based): chr4:109,752,501, C>G on the plus strand (G>C on the coding strand, the complement: CFI is on the minus strand). VCF-style: chr4-109752501-C-G. GRCh37 (hg19) VCF-style: chr4-110673657-C-G.
Other names: c.931G>C, p.Glu311Gln (NM_001318057.2, NM_001375278.1, NM_001440988.1); c.886G>C, p.Glu296Gln (NM_001331035.2, NM_001375280.1, NM_001375282.1 and 1 more transcripts); c.907G>C, p.Glu303Gln (NM_001375279.1, NM_001375281.1, NM_001440989.1); c.298G>C, p.Glu100Gln (NM_001375284.1); c.928G>C, p.Glu310Gln (NM_001440985.1, NM_001440986.1); c.884-2899G>C (NM_001375283.1); short protein forms E296Q, E310Q, E311Q, E303Q, E100Q.
Identifiers: ClinVar variation 4775965 (VCV004775965.1).